The following is an entry in ClinVar:

ClinVar aggregate classification (germline): Benign/Likely benign. Review status: criteria provided, multiple submitters, no conflicts (2 of 4 stars). 4 submissions from 4 submitters: Benign (2); Likely benign (2). Last evaluated 2026-08-01.

Conditions:
Combined oxidative phosphorylation deficiency 55 (COXPD55). Identifiers: MedGen C5676915, MONDO:0859228, OMIM 619743.

Allele frequency attached by ClinVar (database versions not stated): 1000 Genomes Project 0.00280; 1000 Genomes Project 30x 0.00328; TOPMed 0.00441; gnomAD 0.00498 and 0.00500; ESP Exome Variant Server 0.00500.
gnomAD v4.1: 11,155 of 1,611,270 alleles (0.69%); highest among the groups gnomAD compares: Non-Finnish European, 0.82%; 52 homozygotes.

Submissions (4):

CeGaT Center for Human Genetics Tuebingen
Classification: Likely benign. Last evaluated: 2026-08-01. Review status: criteria provided, single submitter. Criteria: CeGaT Center For Human Genetics Tuebingen Variant Classification Criteria Version 2. Collection method: clinical testing. Allele origin: germline. Affected: yes. Observed: 15 variant alleles.
Comment: POLRMT: BP4, BP7, BS2

Fulgent Genetics
Classification: Likely benign for Combined oxidative phosphorylation deficiency 55. Last evaluated: 2022-04-04. Review status: criteria provided, single submitter. Criteria: ACMG Guidelines, 2015. Collection method: clinical testing. Allele origin: unknown.

Labcorp Genetics (formerly Invitae), Labcorp
Classification: Benign. Last evaluated: 2017-09-01. Review status: criteria provided, single submitter. Criteria: Invitae Variant Classification Sherloc (09022015). Collection method: clinical testing. Allele origin: germline.

Breakthrough Genomics
Classification: Benign. Review status: criteria provided, single submitter. Criteria: ACMG Guidelines, 2015. Collection method: not provided. Allele origin: germline. Inheritance: Autosomal recessive inheritance. Affected: yes.

NM_005035.4(POLRMT):c.3165C>T (p.Thr1055=)

Gene: POLRMT (RNA polymerase mitochondrial; minus strand). Cytogenetic location: 19p13.3.
Variant type: single nucleotide variant.
Coding change: c.3165C>T on transcript NM_005035.4 (MANE Select); coding-DNA position 3165, C replaced by T.
Protein change: p.Thr1055=; no amino-acid change (threonine 1055 retained).
Molecular consequence: synonymous variant.
Genome position (GRCh38, 1-based): chr19:619,099, G>A on the plus strand (C>T on the coding strand, the complement: POLRMT is on the minus strand). VCF-style: chr19-619099-G-A. GRCh37 (hg19) VCF-style: chr19-619099-G-A.
Identifiers: ClinVar variation 782965 (VCV000782965.28), dbSNP rs149476145, ClinGen allele CA9019440.